The following is an entry in ClinVar:

NM_018127.7(ELAC2):c.214G>A (p.Ala72Thr)

Gene: ELAC2 (elaC ribonuclease Z 2; minus strand). Cytogenetic location: 17p12.
Variant type: single nucleotide variant.
Coding change: c.214G>A on transcript NM_018127.7 (MANE Select); coding-DNA position 214, G replaced by A.
Protein change: p.Ala72Thr; replaces alanine 72 with threonine.
Molecular consequence: missense variant.
Genome position (GRCh38, 1-based): chr17:13,017,734, C>T on the plus strand (G>A on the coding strand, the complement: ELAC2 is on the minus strand). VCF-style: chr17-13017734-C-T. GRCh37 (hg19) VCF-style: chr17-12921051-C-T.
Other names: c.214G>A, p.Ala72Thr (NM_001165962.2, NM_173717.2); short protein forms A72T.
Identifiers: ClinVar variation 2129664 (VCV002129664.4), dbSNP rs2041828533, ClinGen allele CA398218940.

ClinVar aggregate classification (germline): Uncertain significance (1 of 4 stars; one submission).

Conditions:
Combined oxidative phosphorylation defect type 17. Also called: Combined oxidative phosphorylation deficiency 17. Identifiers: Orphanet 369913, MedGen C3809526, MONDO:0014190, OMIM 615440.

Allele frequency attached by ClinVar (database versions not stated): gnomAD 0.00001.
gnomAD v4.1: 3 of 1,612,302 alleles (0.00019%); highest among the groups gnomAD compares: African/African-American, 0.0027%; no homozygotes.

Submission:

Labcorp Genetics (formerly Invitae), Labcorp
Classification: Uncertain significance for Combined oxidative phosphorylation defect type 17. Last evaluated: 2021-12-06. Review status: criteria provided, single submitter. Criteria: Invitae Variant Classification Sherloc (09022015). Collection method: clinical testing. Allele origin: germline.
Comment: In summary, the available evidence is currently insufficient to determine the role of this variant in disease. Therefore, it has been classified as a Variant of Uncertain Significance. Algorithms developed to predict the effect of missense changes on protein structure and function are either unavailable or do not agree on the potential impact of this missense change (SIFT: "Deleterious"; PolyPhen-2: "Probably Damaging"; Align-GVGD: "Class C0"). This sequence change replaces alanine, which is neutral and non-polar, with threonine, which is neutral and polar, at codon 72 of the ELAC2 protein (p.Ala72Thr). This variant is not present in population databases (gnomAD no frequency). This variant has not been reported in the literature in individuals affected with ELAC2-related conditions.